The following is an entry in ClinVar:

ClinVar aggregate classification (germline): Uncertain significance (1 of 4 stars; one submission).

Conditions:
Hereditary cancer-predisposing syndrome. Also called: Neoplastic Syndromes, Hereditary; Tumor predisposition; Hereditary neoplastic syndrome; Hereditary Cancer Syndrome. Identifiers: Orphanet 140162, MedGen C0027672, MeSH D009386, MONDO:0015356.

Submission:

Ambry Genetics
Classification: Uncertain significance for Hereditary cancer-predisposing syndrome. Last evaluated: 2024-01-30. Review status: criteria provided, single submitter. Criteria: Ambry Variant Classification Scheme 2023. Collection method: clinical testing. Allele origin: germline.
Comment: The c.3989T>C variant (also known as p.L1330S), located in coding exon 19 of the MET gene, results from a T to C substitution at nucleotide position 3989. The amino acid change results in leucine to serine at codon 1330, an amino acid with dissimilar properties. This change occurs in the last base pair of coding exon 19. This amino acid position is highly conserved in available vertebrate species. In addition, this alteration is predicted to be deleterious by in silico analysis. Based on the available evidence, the clinical significance of this alteration remains unclear.

NM_000245.4(MET):c.3935T>C (p.Leu1312Ser)

Gene: MET (MET proto-oncogene, receptor tyrosine kinase; plus strand). Cytogenetic location: 7q31.2.
Variant type: single nucleotide variant.
Coding change: c.3935T>C on transcript NM_000245.4 (MANE Select); coding-DNA position 3935, T replaced by C.
Protein change: p.Leu1312Ser; replaces leucine 1312 with serine.
Molecular consequence: missense variant.
Genome position (GRCh38, 1-based): chr7:116,795,791, T>C. VCF-style: chr7-116795791-T-C. GRCh37 (hg19) VCF-style: chr7-116435845-T-C.
Other names: c.3989T>C, p.Leu1330Ser (NM_001127500.3); c.2645T>C, p.Leu882Ser (NM_001324402.2); short protein forms L1312S, L1330S, L882S.
Identifiers: ClinVar variation 3232989 (VCV003232989.1), dbSNP rs2117109295, ClinGen allele CA369118024.
Genomic context (GRCh38, chr7:116,795,791, plus strand): 5'-TAACTGTTTACTTGTTGCAAGGGAGAAGACTCCTACAACCCGAATACTGCCCAGACCCCT[T>C]GTAAGTAGTCTTTCTGTACCTCTTACGTTCTTTACTTTTACAGAAATGCCTGCCTTCAAA-3'
Protein context (NP_000236.2, residues 1302-1322): LLQPEYCPDP[Leu1312Ser]YEVMLKCWHP